The following is an entry in ClinVar:

NM_003638.3(ITGA8):c.2833G>A (p.Ala945Thr)

Gene: ITGA8 (integrin subunit alpha 8; minus strand). Cytogenetic location: 10p13.
Variant type: single nucleotide variant.
Coding change: c.2833G>A on transcript NM_003638.3 (MANE Select); coding-DNA position 2833, G replaced by A.
Protein change: p.Ala945Thr; replaces alanine 945 with threonine.
Molecular consequence: missense variant.
Genome position (GRCh38, 1-based): chr10:15,548,502, C>T on the plus strand (G>A on the coding strand, the complement: ITGA8 is on the minus strand). VCF-style: chr10-15548502-C-T. GRCh37 (hg19) VCF-style: chr10-15590501-C-T.
Other names: c.2788G>A, p.Ala930Thr (NM_001291494.2); short protein forms A930T, A945T.
Identifiers: ClinVar variation 2185181 (VCV002185181.3), dbSNP rs200149085, ClinGen allele CA5419711.

ClinVar aggregate classification (germline): Uncertain significance (1 of 4 stars; one submission).

Allele frequency attached by ClinVar (database versions not stated): ExAC 0.00006; ESP Exome Variant Server 0.00008; gnomAD 0.00019; 1000 Genomes Project 30x 0.00031; 1000 Genomes Project 0.00040.
gnomAD v4.1: 92 of 1,601,314 alleles (0.0057%); highest among the groups gnomAD compares: African/African-American, 0.041%; 1 homozygote.

Submission:

Labcorp Genetics (formerly Invitae), Labcorp
Classification: Uncertain significance. Last evaluated: 2022-01-27. Review status: criteria provided, single submitter. Criteria: Invitae Variant Classification Sherloc (09022015). Collection method: clinical testing. Allele origin: germline.
Comment: This variant is present in population databases (rs200149085, gnomAD 0.02%). This variant has not been reported in the literature in individuals affected with ITGA8-related conditions. Algorithms developed to predict the effect of missense changes on protein structure and function are either unavailable or do not agree on the potential impact of this missense change (SIFT: "Deleterious"; PolyPhen-2: "Benign"; Align-GVGD: "Class C55"). In summary, the available evidence is currently insufficient to determine the role of this variant in disease. Therefore, it has been classified as a Variant of Uncertain Significance. This sequence change replaces alanine, which is neutral and non-polar, with threonine, which is neutral and polar, at codon 945 of the ITGA8 protein (p.Ala945Thr).